The following is an entry in ClinVar:

ClinVar aggregate classification (germline): Uncertain significance (0 of 4 stars; one submission).

Conditions:
CACNA1A-related disorder. Also called: CACNA1A-related condition.

gnomAD v4.1: 1 of 1,607,974 alleles (0.000062%); highest among the groups gnomAD compares: Non-Finnish European, 0.000085%; no homozygotes.

Submission:

PreventionGenetics, part of Exact Sciences
Classification: Uncertain significance for CACNA1A-related condition. Last evaluated: 2024-04-18. Review status: no assertion criteria provided. Collection method: clinical testing. Allele origin: germline.
Comment: The CACNA1A c.4141A>G variant is predicted to result in the amino acid substitution p.Ile1381Val. To our knowledge, this variant has not been reported in the literature or in a large population database, indicating this variant is rare. At this time, the clinical significance of this variant is uncertain due to the absence of conclusive functional and genetic evidence.

NM_001127222.2(CACNA1A):c.4141A>G (p.Ile1381Val)

Genes: CACNA1A (calcium voltage-gated channel subunit alpha1 A; minus strand), LOC126862864 (MED14-independent group 3 enhancer GRCh37_chr19:13371552-13372751; plus strand). Cytogenetic location: 19p13.13.
Variant type: single nucleotide variant.
Coding change: c.4141A>G on transcript NM_001127222.2 (MANE Select); coding-DNA position 4141, A replaced by G.
Protein change: p.Ile1381Val; replaces isoleucine 1381 with valine.
Molecular consequence: missense variant.
Genome position (GRCh38, 1-based): chr19:13,261,559, T>C on the plus strand (A>G on the coding strand, the complement: CACNA1A is on the minus strand). VCF-style: chr19-13261559-T-C. GRCh37 (hg19) VCF-style: chr19-13372373-T-C.
Other names: c.4153A>G, p.Ile1385Val (NM_000068.4, NM_023035.3); c.4144A>G, p.Ile1382Val (NM_001127221.2, NM_001174080.2); short protein forms I1381V, I1382V, I1385V.
Identifiers: ClinVar variation 3345295 (VCV003345295.1).